The following is an entry in ClinVar:

ClinVar aggregate classification (germline): Pathogenic/Likely pathogenic. Review status: criteria provided, multiple submitters, no conflicts (2 of 4 stars). 3 submissions from 3 submitters: Pathogenic (1); Likely pathogenic (2). Last evaluated 2025-05-27.

Conditions:
Hereditary spastic paraplegia 7 (SPG7). Also called: Autosomal recessive spastic paraplegia type 7; SPG7-related neurologic disorder; Spastic paraplegia 7; Hereditary spastic paraplegia Paraplegin type; SPASTIC PARAPLEGIA 7, AUTOSOMAL RECESSIVE, WITH OR WITHOUT CEREBELLAR ATAXIA. Identifiers: Orphanet 99013, MedGen C1846564, MONDO:0011803, OMIM 607259.

Submissions (3):

Women's Health and Genetics/Laboratory Corporation of America, LabCorp
Classification: Likely pathogenic for Hereditary spastic paraplegia 7. Last evaluated: 2025-05-27. Review status: criteria provided, single submitter. Criteria: LabCorp Variant Classification Summary - May 2015. Collection method: clinical testing. Allele origin: germline.
Comment: Variant summary: SPG7 c.2T>A (p.Met1Lys) alters the initiation codon and is predicted to result either in absence of the protein or truncation of the encoded protein due to translation initiation at a downstream codon. The next downstream p.Met is at codon 44. The variant was absent in 89584 control chromosomes. To our knowledge, no occurrence of c.2T>A in individuals affected with Hereditary Spastic Paraplegia 7 and no experimental evidence demonstrating its impact on protein function have been reported. However, a different c. change resulting in disruption of the p.Met1 codon (c.1A>G) has been classified as likely pathogenic/pathogenic at Labcorp for autosomal recessive hereditary spastic paraplegia, supporting the critical relevance of the initiator codon for SPG7 protein function (PMID: 23065789, 35531120, 35303589, 30098094, internal data). ClinVar contains an entry for this variant (Variation ID: 1070427). Based on the evidence outlined above, the variant was classified as likely pathogenic.

Fulgent Genetics
Classification: Likely pathogenic for Hereditary spastic paraplegia 7. Last evaluated: 2024-02-22. Review status: criteria provided, single submitter. Criteria: ACMG Guidelines, 2015. Collection method: clinical testing. Allele origin: germline.

Labcorp Genetics (formerly Invitae), Labcorp
Classification: Pathogenic for Hereditary spastic paraplegia 7. Last evaluated: 2022-06-13. Review status: criteria provided, single submitter. Criteria: Invitae Variant Classification Sherloc (09022015). Collection method: clinical testing. Allele origin: germline.
Comment: For these reasons, this variant has been classified as Pathogenic. Experimental studies and prediction algorithms are not available or were not evaluated, and the functional significance of this variant is currently unknown. ClinVar contains an entry for this variant (Variation ID: 1070427). Disruption of the initiator codon has been observed in individuals with hereditary spastic paraplegia (PMID: 22964162, 23065789; Invitae). This variant is not present in population databases (gnomAD no frequency). This sequence change affects the initiator methionine of the SPG7 mRNA. The next in-frame methionine is located at codon 44.

Literature cited by the submitters: PubMed 22964162 (cited by Labcorp Genetics (formerly Invitae), Labcorp); PubMed 23065789 (cited by Labcorp Genetics (formerly Invitae), Labcorp).

NM_003119.4(SPG7):c.2T>A (p.Met1Lys)

Genes: SPG7 (SPG7 matrix AAA peptidase subunit, paraplegin; plus strand), LOC130059818 (ATAC-STARR-seq lymphoblastoid silent region 7911; plus strand). Cytogenetic location: 16q24.3.
Variant type: single nucleotide variant.
Coding change: c.2T>A on transcript NM_003119.4 (MANE Select); coding-DNA position 2, T replaced by A.
Protein change: p.Met1Lys; changes the start codon (methionine 1).
Molecular consequence: missense variant, initiator codon variant.
Genome position (GRCh38, 1-based): chr16:89,508,419, T>A. VCF-style: chr16-89508419-T-A. GRCh37 (hg19) VCF-style: chr16-89574827-T-A.
Other names: c.2T>A, p.Met1Lys (NM_001363850.1, NM_199367.3); short protein forms M1K.
Identifiers: ClinVar variation 1070427 (VCV001070427.13), dbSNP rs1332265538, ClinGen allele CA397415810.